The following is an entry in ClinVar:

NM_000179.3(MSH6):c.3851_3852insA (p.Phe1285fs)

Gene: MSH6 (mutS homolog 6; plus strand). Cytogenetic location: 2p16.3.
Variant type: Insertion.
Coding change: c.3851_3852insA on transcript NM_000179.3 (MANE Select); coding-DNA positions 3851 to 3852, A inserted.
Protein change: p.Phe1285fs; shifts the reading frame from phenylalanine 1285.
Molecular consequence: frameshift variant.
Genome position: GRCh38 VCF-style: chr2-47806501-C-CA. GRCh37 (hg19) VCF-style: chr2-48033640-C-CA.
Other names: c.3461_3462insA, p.Phe1155fs (NM_001281492.2); c.2945_2946insA, p.Phe983fs (NM_001281493.2, NM_001281494.2); c.3947_3948insA, p.Phe1317Valfs (NM_001406795.1); c.3851_3852insA, p.Phe1285Valfs (NM_001406796.1, NM_001406808.1, NM_001406809.1); c.3554_3555insA, p.Phe1186Valfs (NM_001406797.1, NM_001406801.1, NM_001406805.1 and 10 more transcripts); c.3677_3678insA, p.Phe1227Valfs (NM_001406798.1); c.3326_3327insA, p.Phe1110Valfs (NM_001406799.1, NM_001406806.1, NM_001406807.1); c.3838_3839insA, p.Arg1280Glnfs (NM_001406800.1); and 9 more; short protein forms F1155fs, F983fs, F1285fs.
Identifiers: ClinVar variation 2035226 (VCV002035226.5), dbSNP rs863225414, ClinGen allele CA2580067408.

ClinVar aggregate classification (germline): Pathogenic. Review status: criteria provided, multiple submitters, no conflicts (2 of 4 stars). 2 submissions from 2 submitters: Pathogenic (2). Last evaluated 2023-08-25.

Conditions:
Lynch syndrome 5 (LYNCH5). Also called: Colorectal cancer, hereditary nonpolyposis, type 5; Hereditary non-polyposis colorectal cancer, type 5. Identifiers: Orphanet 144, MedGen C1833477, MONDO:0013710, OMIM 614350. Disease mechanism: loss of function.
Hereditary nonpolyposis colorectal neoplasms. Identifiers: MedGen C0009405, MeSH D003123.

Submissions (2):

Myriad Genetics, Inc.
Classification: Pathogenic for Lynch syndrome 5. Last evaluated: 2023-08-25. Review status: criteria provided, single submitter. Criteria: Myriad Autosomal Dominant, Autosomal Recessive and X-Linked Classification Criteria (2023). Collection method: clinical testing. Allele origin: unknown.
Comment: This variant is considered pathogenic. This variant creates a frameshift predicted to result in premature protein truncation.

Labcorp Genetics (formerly Invitae), Labcorp
Classification: Pathogenic for Hereditary nonpolyposis colorectal neoplasms. Last evaluated: 2022-12-26. Review status: criteria provided, single submitter. Criteria: Invitae Variant Classification Sherloc (09022015). Collection method: clinical testing. Allele origin: germline.
Comment: For these reasons, this variant has been classified as Pathogenic. This variant has not been reported in the literature in individuals affected with MSH6-related conditions. This variant is not present in population databases (gnomAD no frequency). This sequence change creates a premature translational stop signal (p.Phe1285Valfs*4) in the MSH6 gene. It is expected to result in an absent or disrupted protein product. Loss-of-function variants in MSH6 are known to be pathogenic (PMID: 18269114, 24362816).

Literature cited by the submitters: PubMed 18269114 (cited by Labcorp Genetics (formerly Invitae), Labcorp); PubMed 24362816 (cited by Labcorp Genetics (formerly Invitae), Labcorp).